The following is an entry in ClinVar:

ClinVar aggregate classification (germline): Uncertain significance. Review status: criteria provided, multiple submitters, no conflicts (2 of 4 stars). 7 submissions from 7 submitters: Uncertain significance (7). Last evaluated 2025-12-10.

Conditions:
Classic or attenuated familial adenomatous polyposis. Identifiers: MedGen CN372698, MONDO:0021057.
Hereditary cancer-predisposing syndrome. Also called: Hereditary Cancer Syndrome; Hereditary neoplastic syndrome; Neoplastic Syndromes, Hereditary; Tumor predisposition. Identifiers: Orphanet 140162, MedGen C0027672, MeSH D009386, MONDO:0015356.
Familial adenomatous polyposis 1 (FAP1). Also called: FAMILIAL ADENOMATOUS POLYPOSIS 1, ATTENUATED; POLYPOSIS, ADENOMATOUS INTESTINAL. Identifiers: MedGen C2713442, MONDO:0021056, OMIM 175100. Disease mechanism: loss of function.

Allele frequency attached by ClinVar (database versions not stated): gnomAD exomes below 0.00001 and 0.00001; gnomAD 0.00001; TOPMed 0.00001.
gnomAD v4.1: 6 of 1,614,024 alleles (0.00037%); highest among the groups gnomAD compares: Middle Eastern, 0.016%; no homozygotes.

Submissions (7):

Ambry Genetics
Classification: Uncertain significance for Hereditary cancer-predisposing syndrome. Last evaluated: 2025-12-10. Review status: criteria provided, single submitter. Criteria: Ambry Variant Classification Scheme 2023. Collection method: clinical testing. Allele origin: germline.
Comment: The p.I1572T variant (also known as c.4715T>C), located in coding exon 15 of the APC gene, results from a T to C substitution at nucleotide position 4715. The isoleucine at codon 1572 is replaced by threonine, an amino acid with similar properties. This amino acid position is highly conserved in available vertebrate species. In addition, in silico predictors for this gene do not accurately predict pathogenicity. Missense alterations in APC are not a common cause of disease (Spier I et al. Genet Med. 2024 Feb;26(2):100992). Based on the available evidence, the clinical significance of this variant remains unclear.

Labcorp Genetics (formerly Invitae), Labcorp
Classification: Uncertain significance for Familial adenomatous polyposis 1. Last evaluated: 2025-11-13. Review status: criteria provided, single submitter. Criteria: Invitae Variant Classification Sherloc (09022015). Collection method: clinical testing. Allele origin: germline.
Comment: This sequence change replaces isoleucine, which is neutral and non-polar, with threonine, which is neutral and polar, at codon 1572 of the APC protein (p.Ile1572Thr). This variant is present in population databases (no rsID available, gnomAD 0.002%). This missense change has been observed in individual(s) with colorectal cancer and/or multiple colorectal adenomas (PMID: 18199528). ClinVar contains an entry for this variant (Variation ID: 216166). Invitae Evidence Modeling of protein sequence and biophysical properties (such as structural, functional, and spatial information, amino acid conservation, physicochemical variation, residue mobility, and thermodynamic stability) indicates that this missense variant is not expected to disrupt APC protein function with a negative predictive value of 95%. Experimental studies have shown that this missense change does not substantially affect APC function (PMID: 18199528). In summary, the available evidence is currently insufficient to determine the role of this variant in disease. Therefore, it has been classified as a Variant of Uncertain Significance.

Baylor Genetics
Classification: Uncertain significance for Familial adenomatous polyposis 1. Last evaluated: 2024-03-12. Review status: criteria provided, single submitter. Criteria: ACMG Guidelines, 2015. Collection method: clinical testing. Allele origin: unknown.

All of Us Research Program, National Institutes of Health
Classification: Uncertain significance for Classic or attenuated familial adenomatous polyposis. Last evaluated: 2023-12-13. Review status: criteria provided, single submitter. Criteria: ACMG Guidelines, 2015. Collection method: clinical testing. Allele origin: germline. Inheritance: Autosomal dominant inheritance. Observed: 3 variant alleles, 3 heterozygotes.
Comment: This missense variant replaces isoleucine with threonine at codon 1572 of the APC protein. Computational prediction is inconclusive regarding the impact of this variant on protein structure and function (internally defined REVEL score threshold 0.5 < inconclusive < 0.7, PMID: 27666373). To our knowledge, functional studies have not been reported for this variant. This variant has been reported in an individual affected with colorectal adenomas (PMID: 18199528). This variant has been identified in 3/250750 chromosomes in the general population by the Genome Aggregation Database (gnomAD). The available evidence is insufficient to determine the role of this variant in disease conclusively. Therefore, this variant is classified as a Variant of Uncertain Significance.

This study involves interpretation of variants in research participants for the purpose of population health screening. Participant phenotype was not available at the time of variant classification. Additional details can be found in publication PMID: 35346344, PMCID: PMC8962531

Color Diagnostics, LLC DBA Color Health
Classification: Uncertain significance for Hereditary cancer-predisposing syndrome. Last evaluated: 2023-10-31. Review status: criteria provided, single submitter. Criteria: ACMG Guidelines, 2015. Collection method: clinical testing. Allele origin: germline.
Comment: This missense variant replaces isoleucine with threonine at codon 1572 of the APC protein. Computational prediction is inconclusive regarding the impact of this variant on protein structure and function (internally defined REVEL score threshold 0.5 < inconclusive < 0.7, PMID: 27666373). To our knowledge, functional studies have not been reported for this variant. This variant has been reported in an individual affected with colorectal adenomas (PMID: 18199528). This variant has been identified in 3/250750 chromosomes in the general population by the Genome Aggregation Database (gnomAD). The available evidence is insufficient to determine the role of this variant in disease conclusively. Therefore, this variant is classified as a Variant of Uncertain Significance.

GeneDx
Classification: Uncertain significance. Last evaluated: 2022-10-06. Review status: criteria provided, single submitter. Criteria: GeneDx Variant Classification Process June 2021. Collection method: clinical testing. Allele origin: germline. Affected: yes.
Comment: Not observed at significant frequency in large population cohorts (gnomAD); In silico analysis supports that this missense variant does not alter protein structure/function; Published functional studies suggest no damaging effect: beta-catenin-regulated transcription suppression levels were similar to wild-type (Azzopardi et al., 2008); Observed in a patient with multiple colorectal adenomas (Azzopardi et al., 2008); This variant is associated with the following publications: (PMID: 18199528, 21859464)

Quest Diagnostics Nichols Institute San Juan Capistrano
Classification: Uncertain significance. Last evaluated: 2019-03-27. Review status: criteria provided, single submitter. Criteria: Quest Diagnostics criteria. Collection method: clinical testing. Allele origin: germline.

Literature cited by the submitters: PubMed 18199528 (cited by 5 submitters); PubMed 21859464 (cited by Ambry Genetics).

NM_000038.6(APC):c.4715T>C (p.Ile1572Thr)

Gene: APC (APC regulator of Wnt signaling pathway; plus strand). Cytogenetic location: 5q22.2.
Variant type: single nucleotide variant.
Coding change: c.4715T>C on transcript NM_000038.6 (MANE Select); coding-DNA position 4715, T replaced by C.
Protein change: p.Ile1572Thr; replaces isoleucine 1572 with threonine.
Molecular consequence: missense variant.
Genome position (GRCh38, 1-based): chr5:112,840,309, T>C. VCF-style: chr5-112840309-T-C. GRCh37 (hg19) VCF-style: chr5-112176006-T-C.
Other names: c.3866T>C, p.Ile1289Thr (NM_001354906.2); c.4337T>C, p.Ile1446Thr (NM_001354904.2); c.4235T>C, p.Ile1412Thr (NM_001354905.2); c.4715T>C, p.Ile1572Thr (NM_001127510.3, NM_001354895.2); c.4661T>C, p.Ile1554Thr (NM_001127511.3); c.4769T>C, p.Ile1590Thr (NM_001354896.2); c.4745T>C, p.Ile1582Thr (NM_001354897.2); c.4640T>C, p.Ile1547Thr (NM_001354898.2); and 5 more; short protein forms I1554T, I1572T, I1481T, I1513T, I1544T, I1547T, I1289T, I1412T.
Identifiers: ClinVar variation 216166 (VCV000216166.29), dbSNP rs863224543, ClinGen allele CA336876.